The following is an entry in ClinVar:

NM_001164508.2(NEB):c.10405dup (p.Thr3469fs)

Gene: NEB (nebulin; minus strand). Cytogenetic location: 2q23.3.
Variant type: Duplication.
Coding change: c.10405dup on transcript NM_001164508.2 (MANE Select); coding-DNA position 10405, one base duplicated (A; older notation c.10405dupA).
Protein change: p.Thr3469fs; shifts the reading frame from threonine 3469.
Molecular consequence: frameshift variant.
Genome position (GRCh38, 1-based): chr2:151,625,581, T duplicated on the plus strand (A on the coding strand, the reverse complement: NEB is on the minus strand). VCF-style (leftmost placement, unchanged base first): chr2-151625580-G-GT. GRCh37 (hg19) VCF-style: chr2-152482094-G-GT.
Other names: c.10405dup, p.Thr3469fs (NM_001164507.2, NM_001271208.2); c.9676dup, p.Thr3226fs (NM_004543.5); short protein forms T3226fs, T3469fs.
Identifiers: ClinVar variation 5015609 (VCV005015609.1).
Genomic context (GRCh38, chr2:151,625,580, plus strand): 5'-ACAAATGATCTTACCTCACTATAATTTATTTTATTTTGTCTTGCCAACATGATTTCAGGT[G>GT]TATCAGGCATAATATGGACTTGGGTCTTGTCTTTGTCCCAGGCTTCTGTGTATAAGCGCT-3'

ClinVar aggregate classification (germline): Pathogenic (1 of 4 stars; one submission).

Conditions:
Nemaline myopathy 2 (NEM2). Also called: Nemaline myopathy 2, autosomal recessive. Identifiers: MedGen C1850569, MONDO:0009725, OMIM 256030.

Submission:

Myriad Genetics, Inc.
Classification: Pathogenic for Nemaline myopathy 2. Last evaluated: 2026-02-25. Review status: criteria provided, single submitter. Criteria: Myriad Autosomal Dominant, Autosomal Recessive and X-Linked Classification Criteria (2023). Collection method: clinical testing. Allele origin: unknown.
Comment: NM_001271208.1(NEB):c.10405dupA(T3469Nfs*3) is expected to be pathogenic in the context of NEB-related nemaline myopathy. This variant is predicted to lead to an abnormal or absent protein product due to the creation of a premature termination codon in NEB, a gene where loss-of-function variants are known to be pathogenic. Please note: this variant was assessed in the context of healthy population screening.